The following is an entry in ClinVar:

ClinVar aggregate classification (germline): Uncertain significance (1 of 4 stars; one submission).

Conditions:
Hereditary cancer-predisposing syndrome. Also called: Hereditary neoplastic syndrome; Neoplastic Syndromes, Hereditary; Hereditary Cancer Syndrome; Tumor predisposition. Identifiers: Orphanet 140162, MedGen C0027672, MeSH D009386, MONDO:0015356.

Submission:

Labcorp Genetics (formerly Invitae), Labcorp
Classification: Uncertain significance for Hereditary cancer-predisposing syndrome. Last evaluated: 2023-11-21. Review status: criteria provided, single submitter. Criteria: Invitae Variant Classification Sherloc (09022015). Collection method: clinical testing. Allele origin: germline.
Comment: This sequence change replaces lysine, which is basic and polar, with asparagine, which is neutral and polar, at codon 252 of the RAD50 protein (p.Lys252Asn). This variant also falls at the last nucleotide of exon 5, which is part of the consensus splice site for this exon. This variant is not present in population databases (gnomAD no frequency). This variant has not been reported in the literature in individuals affected with RAD50-related conditions. An algorithm developed to predict the effect of missense changes on protein structure and function (PolyPhen-2) suggests that this variant is likely to be tolerated. Variants that disrupt the consensus splice site are a relatively common cause of aberrant splicing (PMID: 17576681, 9536098). Algorithms developed to predict the effect of sequence changes on RNA splicing suggest that this variant may disrupt the consensus splice site. In summary, the available evidence is currently insufficient to determine the role of this variant in disease. Therefore, it has been classified as a Variant of Uncertain Significance.

Literature cited by the submitters: PubMed 17576681; PubMed 9536098.

NM_005732.4(RAD50):c.756G>T (p.Lys252Asn)

Gene: RAD50 (RAD50 double strand break repair protein; plus strand). Cytogenetic location: 5q31.1.
Variant type: single nucleotide variant.
Coding change: c.756G>T on transcript NM_005732.4 (MANE Select); coding-DNA position 756, G replaced by T.
Protein change: p.Lys252Asn; replaces lysine 252 with asparagine.
Molecular consequence: missense variant.
Genome position (GRCh38, 1-based): chr5:132,580,066, G>T. VCF-style: chr5-132580066-G-T. GRCh37 (hg19) VCF-style: chr5-131915758-G-T.
Other names: short protein forms K252N.
Identifiers: ClinVar variation 2806865 (VCV002806865.3), dbSNP rs1554097839, ClinGen allele CA360937510.
Genomic context (GRCh38, chr5:132,580,066, plus strand): 5'-CCAGTTAACATCTTCAAAGGAAATTGTCAAATCCTATGAGAATGAACTTGATCCATTGAA[G>T]GTAACTTGATTTTATTTTTAATTGACAAAAATTGTATATCTTTATGGTATACAGCATGAT-3'
Protein context (NP_005723.2, residues 242-262): KSYENELDPL[Lys252Asn]NRLKEIEHNL